The following is an entry in ClinVar:

NM_001303052.2(MYT1L):c.577G>A (p.Glu193Lys)

Gene: MYT1L (myelin transcription factor 1 like; minus strand). Cytogenetic location: 2p25.3.
Variant type: single nucleotide variant.
Coding change: c.577G>A on transcript NM_001303052.2 (MANE Select); coding-DNA position 577, G replaced by A.
Protein change: p.Glu193Lys; replaces glutamic acid 193 with lysine.
Molecular consequence: missense variant.
Genome position (GRCh38, 1-based): chr2:1,923,192, C>T on the plus strand (G>A on the coding strand, the complement: MYT1L is on the minus strand). VCF-style: chr2-1923192-C-T. GRCh37 (hg19) VCF-style: chr2-1926964-C-T.
Other names: c.577G>A, p.Glu193Lys (NM_001329844.2, NM_001329845.1, NM_001329846.3 and 6 more transcripts); short protein forms E193K.
Identifiers: ClinVar variation 3602755 (VCV003602755.2).

ClinVar aggregate classification (germline): Uncertain significance. Review status: criteria provided, multiple submitters, no conflicts (2 of 4 stars). 2 submissions from 2 submitters: Uncertain significance (2). Last evaluated 2025-06-16.

Conditions:
Intellectual developmental disorder, autosomal dominant 39. Also called: Mental retardation, autosomal dominant 39; Intellectual disability, autosomal dominant 39. Identifiers: MedGen C4225296, MONDO:0014678, OMIM 616521.

gnomAD v4.1: 1 of 1,613,644 alleles (0.000062%); highest among the groups gnomAD compares: Non-Finnish European, 0.000085%; no homozygotes.

Submissions (2):

Women's Health and Genetics/Laboratory Corporation of America, LabCorp
Classification: Uncertain significance. Last evaluated: 2025-06-16. Review status: criteria provided, single submitter. Criteria: LabCorp Variant Classification Summary - May 2015. Collection method: clinical testing. Allele origin: germline.
Comment: Variant summary: MYT1L c.577G>A (p.Glu193Lys) results in a conservative amino acid change in the encoded protein sequence. Algorithms developed to predict the effect of missense changes on protein structure and function are either unavailable or do not agree on the potential impact of this missense change. The variant was absent in 248516 control chromosomes. The available data on variant occurrences in the general population are insufficient to allow any conclusion about variant significance. To our knowledge, no occurrence of c.577G>A in individuals affected with Mental Retardation, Autosomal Dominant 39 and no experimental evidence demonstrating its impact on protein function have been reported. ClinVar contains an entry for this variant (Variation ID: 3602755). Based on the evidence outlined above, the variant was classified as uncertain significance.

Institute of Human Genetics, University Hospital of Duesseldorf
Classification: Uncertain significance for Intellectual developmental disorder, autosomal dominant 39. Review status: criteria provided, single submitter. Criteria: ACMG Guidelines, 2015. Collection method: not provided. Allele origin: germline. Inheritance: Autosomal dominant inheritance. Affected: yes.